The following is an entry in ClinVar:

ClinVar aggregate classification (germline): Likely benign (0 of 4 stars; one submission).

Conditions:
CAPN15-related disorder. Also called: CAPN15-related condition.

Allele frequency attached by ClinVar (database versions not stated): gnomAD exomes 0.00002; ExAC 0.00010; gnomAD 0.00014; TOPMed 0.00016; 1000 Genomes Project 30x 0.00031; 1000 Genomes Project 0.00040.
gnomAD v4.1: 58 of 1,575,346 alleles (0.0037%); highest among the groups gnomAD compares: African/African-American, 0.067%; no homozygotes.

Submission:

PreventionGenetics, part of Exact Sciences
Classification: Likely benign for CAPN15-related condition. Last evaluated: 2020-04-21. Review status: no assertion criteria provided. Collection method: clinical testing. Allele origin: germline.
Comment: This variant is classified as likely benign based on ACMG/AMP sequence variant interpretation guidelines (Richards et al. 2015 PMID: 25741868, with internal and published modifications).

NM_005632.3(CAPN15):c.582C>T (p.His194=)

Gene: CAPN15 (calpain 15; plus strand). Cytogenetic location: 16p13.3.
Variant type: single nucleotide variant.
Coding change: c.582C>T on transcript NM_005632.3 (MANE Select); coding-DNA position 582, C replaced by T.
Protein change: p.His194=; no amino-acid change (histidine 194 retained).
Molecular consequence: synonymous variant.
Genome position (GRCh38, 1-based): chr16:547,420, C>T. VCF-style: chr16-547420-C-T. GRCh37 (hg19) VCF-style: chr16-597420-C-T.
Identifiers: ClinVar variation 3054323 (VCV003054323.2), dbSNP rs576084802, ClinGen allele CA7778108.